The following is an entry in ClinVar:

NM_020975.6(RET):c.2120A>G (p.Asp707Gly)

Gene: RET (ret proto-oncogene; plus strand). Cytogenetic location: 10q11.21.
Variant type: single nucleotide variant.
Coding change: c.2120A>G on transcript NM_020975.6 (MANE Select); coding-DNA position 2120, A replaced by G.
Protein change: p.Asp707Gly; replaces aspartic acid 707 with glycine.
Molecular consequence: missense variant.
Genome position (GRCh38, 1-based): chr10:43,114,720, A>G. VCF-style: chr10-43114720-A-G. GRCh37 (hg19) VCF-style: chr10-43610168-A-G.
Other names: c.2120A>G, p.Asp707Gly (NM_000323.2, NM_001406743.1, NM_001406744.1 and 4 more transcripts); c.1358A>G, p.Asp453Gly (NM_001355216.2); c.1991A>G, p.Asp664Gly (NM_001406761.1, NM_001406762.1, NM_001406764.1); c.1985A>G, p.Asp662Gly (NM_001406763.1, NM_001406765.1); c.1832A>G, p.Asp611Gly (NM_001406766.1, NM_001406767.1, NM_001406770.1); c.1856A>G, p.Asp619Gly (NM_001406768.1); c.1724A>G, p.Asp575Gly (NM_001406769.1, NM_001406772.1); c.1682A>G, p.Asp561Gly (NM_001406771.1, NM_001406773.1); and 10 more; short protein forms D224G, D453G, D465G, D575G, D365G, D377G, D611G, D619G.
Identifiers: ClinVar variation 3012052 (VCV003012052.4), dbSNP rs2132855283, ClinGen allele CA376553353.

ClinVar aggregate classification (germline): Uncertain significance. Review status: criteria provided, multiple submitters, no conflicts (2 of 4 stars). 2 submissions from 2 submitters: Uncertain significance (2). Last evaluated 2024-04-06.

Conditions:
Multiple endocrine neoplasia, type 2 (MEN2). Identifiers: Orphanet 653, MedGen C4048306, MONDO:0019003. Disease mechanism: gain of function.
Hereditary cancer-predisposing syndrome. Also called: Neoplastic Syndromes, Hereditary; Tumor predisposition; Hereditary neoplastic syndrome; Hereditary Cancer Syndrome. Identifiers: Orphanet 140162, MedGen C0027672, MeSH D009386, MONDO:0015356.

Submissions (2):

Ambry Genetics
Classification: Uncertain significance for Hereditary cancer-predisposing syndrome. Last evaluated: 2024-04-06. Review status: criteria provided, single submitter. Criteria: Ambry Variant Classification Scheme 2023. Collection method: clinical testing. Allele origin: germline.
Comment: The p.D707G variant (also known as c.2120A>G), located in coding exon 11 of the RET gene, results from an A to G substitution at nucleotide position 2120. The aspartic acid at codon 707 is replaced by glycine, an amino acid with similar properties. This amino acid position is conserved. In addition, this alteration is predicted to be deleterious by in silico analysis. Based on the available evidence, the clinical significance of this variant remains unclear.

Labcorp Genetics (formerly Invitae), Labcorp
Classification: Uncertain significance for Multiple endocrine neoplasia, type 2. Last evaluated: 2023-01-07. Review status: criteria provided, single submitter. Criteria: Invitae Variant Classification Sherloc (09022015). Collection method: clinical testing. Allele origin: germline.
Comment: This sequence change replaces aspartic acid, which is acidic and polar, with glycine, which is neutral and non-polar, at codon 707 of the RET protein (p.Asp707Gly). In summary, the available evidence is currently insufficient to determine the role of this variant in disease. Therefore, it has been classified as a Variant of Uncertain Significance. This variant disrupts the p.Asp707 amino acid residue in RET. Other variant(s) that disrupt this residue have been determined to be pathogenic (PMID: 27798940). This suggests that this residue is clinically significant, and that variants that disrupt this residue are likely to be disease-causing. Algorithms developed to predict the effect of sequence changes on RNA splicing suggest that this variant may create or strengthen a splice site. Algorithms developed to predict the effect of missense changes on protein structure and function (SIFT, PolyPhen-2, Align-GVGD) all suggest that this variant is likely to be tolerated. This variant has not been reported in the literature in individuals affected with RET-related conditions. This variant is not present in population databases (gnomAD no frequency).

Literature cited by the submitters: PubMed 27798940 (cited by Labcorp Genetics (formerly Invitae), Labcorp).